The following is an entry in ClinVar:

NM_032578.4(MYPN):c.151G>A (p.Ala51Thr)

Gene: MYPN (myopalladin; plus strand). Cytogenetic location: 10q21.3.
Variant type: single nucleotide variant.
Coding change: c.151G>A on transcript NM_032578.4 (MANE Select); coding-DNA position 151, G replaced by A.
Protein change: p.Ala51Thr; replaces alanine 51 with threonine.
Molecular consequence: missense variant. On other transcripts: 5 prime UTR variant (1), non-coding transcript variant (1).
Genome position (GRCh38, 1-based): chr10:68,121,589, G>A. VCF-style: chr10-68121589-G-A. GRCh37 (hg19) VCF-style: chr10-69881346-G-A.
Other names: c.151G>A (NM_032578.2); c.151G>A, p.Ala51Thr (NM_001256267.2); c.-972G>A (NM_001256268.2); short protein forms A51T.
Identifiers: ClinVar variation 2123519 (VCV002123519.5), dbSNP rs2495460693, ClinGen allele CA377103708.

ClinVar aggregate classification (germline): Uncertain significance. Review status: criteria provided, multiple submitters, no conflicts (2 of 4 stars). 2 submissions from 2 submitters: Uncertain significance (2). Last evaluated 2024-10-17.

Conditions:
Dilated cardiomyopathy 1KK (CMD1KK). Identifiers: Orphanet 154, Orphanet 75249, MedGen C3714995, MONDO:0014100, OMIM 615248.
Cardiovascular phenotype. Identifiers: MedGen CN230736.

Submissions (2):

Ambry Genetics
Classification: Uncertain significance for Cardiovascular phenotype. Last evaluated: 2024-10-17. Review status: criteria provided, single submitter. Criteria: Ambry Variant Classification Scheme 2023. Collection method: clinical testing. Allele origin: germline.

Labcorp Genetics (formerly Invitae), Labcorp
Classification: Uncertain significance for Dilated cardiomyopathy 1KK. Last evaluated: 2022-04-27. Review status: criteria provided, single submitter. Criteria: Invitae Variant Classification Sherloc (09022015). Collection method: clinical testing. Allele origin: germline.
Comment: This variant has not been reported in the literature in individuals affected with MYPN-related conditions. This variant is not present in population databases (gnomAD no frequency). This sequence change replaces alanine, which is neutral and non-polar, with threonine, which is neutral and polar, at codon 51 of the MYPN protein (p.Ala51Thr). Algorithms developed to predict the effect of missense changes on protein structure and function (SIFT, PolyPhen-2, Align-GVGD) all suggest that this variant is likely to be tolerated. In summary, the available evidence is currently insufficient to determine the role of this variant in disease. Therefore, it has been classified as a Variant of Uncertain Significance.